The following is an entry in ClinVar:

NM_032237.5(POMK):c.76A>C (p.Ile26Leu)

Gene: POMK (protein O-mannose kinase; plus strand). Cytogenetic location: 8p11.21.
Variant type: single nucleotide variant.
Coding change: c.76A>C on transcript NM_032237.5 (MANE Select); coding-DNA position 76, A replaced by C.
Protein change: p.Ile26Leu; replaces isoleucine 26 with leucine.
Molecular consequence: missense variant.
Genome position (GRCh38, 1-based): chr8:43,103,624, A>C. VCF-style: chr8-43103624-A-C. GRCh37 (hg19) VCF-style: chr8-42958767-A-C.
Other names: c.76A>C, p.Ile26Leu (NM_001277971.2); short protein forms I26L.
Identifiers: ClinVar variation 661426 (VCV000661426.5), dbSNP rs1586671643, ClinGen allele CA371116694.
Genomic context (GRCh38, chr8:43,103,624, plus strand): 5'-CAGAACAGCAGGAGAGGCCTCGCCCCCCGAGAGGTGCCGCCAGCTGTTGGGCTGCTGCTG[A>C]TCATGGCCCTGATGAATACTCTGCTCTACCTCTGCCTCGACCACTTCTTCATCGCTCCTC-3'
Protein context (NP_115613.1, residues 16-36): EVPPAVGLLL[Ile26Leu]MALMNTLLYL

ClinVar aggregate classification (germline): Uncertain significance (1 of 4 stars; one submission).

Conditions:
Muscular dystrophy-dystroglycanopathy (congenital with brain and eye anomalies), type a, 12 (MDDGA12). Also called: WALKER-WARBURG SYNDROME OR MUSCLE-EYE-BRAIN DISEASE, POMK-RELATED. Identifiers: Orphanet 899, MedGen C3808964, MONDO:0014101, OMIM 615249.
Limb-girdle muscular dystrophy due to POMK deficiency. Also called: MUSCULAR DYSTROPHY-DYSTROGLYCANOPATHY, LIMB-GIRDLE, POMK-RELATED; Muscular dystrophy-dystroglycanopathy (limb-girdle), type c, 12. Identifiers: Orphanet 445110, MedGen C4015184, MONDO:0014489, OMIM 616094.

Allele frequency attached by ClinVar (database versions not stated): TOPMed below 0.00001.

Submission:

Labcorp Genetics (formerly Invitae), Labcorp
Classification: Uncertain significance for Muscular dystrophy-dystroglycanopathy (congenital with brain and eye anomalies), type a, 12; Limb-girdle muscular dystrophy due to POMK deficiency. Last evaluated: 2020-02-15. Review status: criteria provided, single submitter. Criteria: Invitae Variant Classification Sherloc (09022015). Collection method: clinical testing. Allele origin: germline.
Comment: Algorithms developed to predict the effect of missense changes on protein structure and function (SIFT, PolyPhen-2, Align-GVGD) all suggest that this variant is likely to be tolerated, but these predictions have not been confirmed by published functional studies and their clinical significance is uncertain. This sequence change replaces isoleucine with leucine at codon 26 of the POMK protein (p.Ile26Leu). The isoleucine residue is weakly conserved and there is a small physicochemical difference between isoleucine and leucine. This variant is not present in population databases (ExAC no frequency). This variant has not been reported in the literature in individuals with POMK-related disease. In summary, the available evidence is currently insufficient to determine the role of this variant in disease. Therefore, it has been classified as a Variant of Uncertain Significance.